The following is an entry in ClinVar:

ClinVar aggregate classification (germline): Uncertain significance (1 of 4 stars; one submission).

Allele frequency attached by ClinVar (database versions not stated): gnomAD exomes below 0.00001 and 0.00001; gnomAD 0.00002; TOPMed 0.00002.
gnomAD v4.1: 12 of 1,614,034 alleles (0.00074%); highest among the groups gnomAD compares: Non-Finnish European, 0.001%; no homozygotes.

Submission:

Labcorp Genetics (formerly Invitae), Labcorp
Classification: Uncertain significance. Last evaluated: 2021-01-02. Review status: criteria provided, single submitter. Criteria: Invitae Variant Classification Sherloc (09022015). Collection method: clinical testing. Allele origin: germline.
Comment: In summary, the available evidence is currently insufficient to determine the role of this variant in disease. Therefore, it has been classified as a Variant of Uncertain Significance. Algorithms developed to predict the effect of missense changes on protein structure and function are either unavailable or do not agree on the potential impact of this missense change (SIFT: "Deleterious"; PolyPhen-2: "Probably Damaging"; Align-GVGD: "Class C0"). This variant has not been reported in the literature in individuals with CCDC8-related conditions. This variant is not present in population databases (ExAC no frequency). This sequence change replaces threonine with serine at codon 482 of the CCDC8 protein (p.Thr482Ser). The threonine residue is highly conserved and there is a small physicochemical difference between threonine and serine.

NM_032040.5(CCDC8):c.1444A>T (p.Thr482Ser)

Gene: CCDC8 (coiled-coil domain containing 8 subunit of 3M complex; minus strand). Cytogenetic location: 19q13.32.
Variant type: single nucleotide variant.
Coding change: c.1444A>T on transcript NM_032040.5 (MANE Select); coding-DNA position 1444, A replaced by T.
Protein change: p.Thr482Ser; replaces threonine 482 with serine.
Molecular consequence: missense variant.
Genome position (GRCh38, 1-based): chr19:46,411,367, T>A on the plus strand (A>T on the coding strand, the complement: CCDC8 is on the minus strand). VCF-style: chr19-46411367-T-A. GRCh37 (hg19) VCF-style: chr19-46914624-T-A.
Other names: short protein forms T482S.
Identifiers: ClinVar variation 1401692 (VCV001401692.8), dbSNP rs1463506406, ClinGen allele CA406458941.
Genomic context (GRCh38, chr19:46,411,367, plus strand): 5'-ACCGGGGAGTGTGCCAGAAGGCTCTCCGGCGCTTGCAAAACCACGAAAAGCGTCCAGGGG[T>A]CTGGAACCTCACTGTCTTGACCTGTTTCCGGGCCCTGGCTCCTGGAGCTGTTCCTGTGGT-3'
Protein context (NP_114429.2, residues 472-492): RKQVKTVRFQ[Thr482Ser]PGRFSWFCKR